The following is an entry in ClinVar:

ClinVar aggregate classification (germline): Uncertain significance (1 of 4 stars; one submission).

Submission:

GeneDx
Classification: Uncertain significance. Last evaluated: 2019-11-17. Review status: criteria provided, single submitter. Criteria: GeneDx Variant Classification Process June 2021. Collection method: clinical testing. Allele origin: germline. Affected: yes.
Comment: Not observed in large population cohorts (Lek et al., 2016); In silico analysis, which includes protein predictors and evolutionary conservation, supports a deleterious effect; Has not been previously published as pathogenic or benign to our knowledge

NM_015215.4(CAMTA1):c.506T>C (p.Leu169Pro)

Gene: CAMTA1 (calmodulin binding transcription activator 1; plus strand). Cytogenetic location: 1p36.23.
Variant type: single nucleotide variant.
Coding change: c.506T>C on transcript NM_015215.4 (MANE Select); coding-DNA position 506, T replaced by C.
Protein change: p.Leu169Pro; replaces leucine 169 with proline.
Molecular consequence: missense variant.
Genome position (GRCh38, 1-based): chr1:7,467,897, T>C. VCF-style: chr1-7467897-T-C. GRCh37 (hg19) VCF-style: chr1-7527957-T-C.
Other names: c.416T>C, p.Leu139Pro (NM_001349608.2, NM_001349612.2); c.506T>C, p.Leu169Pro (NM_001349609.2, NM_001349610.2); short protein forms L139P, L169P.
Identifiers: ClinVar variation 1310132 (VCV001310132.2), dbSNP rs1575481339, ClinGen allele CA338219668.
Genomic context (GRCh38, chr1:7,467,897, plus strand): 5'-ACGGCTGCTATGTCCATTCCTCCATCATCCCCACCTTCCACCGGAGGTGCTACTGGCTCC[T>C]TCAGGTAGGTGGCTGGGACTGGATTCTTCTTCTGTCTCTGGTGCTCGGGAAGGGTCTGTG-3'
Protein context (NP_056030.1, residues 159-179): PTFHRRCYWL[Leu169Pro]QNPDIVLVHY